The following is an entry in ClinVar:

NM_005559.4(LAMA1):c.5108dup (p.Glu1704fs)

Gene: LAMA1 (laminin subunit alpha 1; minus strand). Cytogenetic location: 18p11.31.
Variant type: Duplication.
Coding change: c.5108dup on transcript NM_005559.4 (MANE Select); coding-DNA position 5108, one base duplicated (T; older notation c.5108dupT).
Protein change: p.Glu1704fs; shifts the reading frame from glutamic acid 1704.
Molecular consequence: frameshift variant.
Genome position (GRCh38, 1-based): chr18:6,992,621, A duplicated on the plus strand (T on the coding strand, the reverse complement: LAMA1 is on the minus strand). VCF-style (leftmost placement, unchanged base first): chr18-6992620-T-TA. GRCh37 (hg19) VCF-style: chr18-6992619-T-TA.
Other names: short protein forms E1704fs.
Identifiers: ClinVar variation 2692495 (VCV002692495.1), dbSNP rs2510850080, ClinGen allele CA2640917305.

ClinVar aggregate classification (germline): Likely pathogenic (1 of 4 stars; one submission).

Conditions:
Ataxia - intellectual disability - oculomotor apraxia - cerebellar cysts syndrome. Also called: Poretti-Boltshauser syndrome. Identifiers: Orphanet 370022, MedGen C4014821, MONDO:0014419, OMIM 615960.

Allele frequency attached by ClinVar (database versions not stated): gnomAD exomes below 0.00001.

Submission:

Greenwood Genetic Center Diagnostic Laboratories, Greenwood Genetic Center
Classification: Likely pathogenic for Ataxia - intellectual disability - oculomotor apraxia - cerebellar cysts syndrome. Last evaluated: 2023-12-11. Review status: criteria provided, single submitter. Criteria: ACMG Guidelines, 2015. Collection method: clinical testing. Allele origin: germline. Affected: yes.
Comment: PVS1, PM2